The following is an entry in ClinVar:

ClinVar aggregate classification (germline): Likely benign (1 of 4 stars; one submission).

Allele frequency attached by ClinVar (database versions not stated): 1000 Genomes Project 0.00020; 1000 Genomes Project 30x 0.00031; TOPMed 0.00255; gnomAD 0.00273; ExAC 0.00299; ESP Exome Variant Server 0.00392; gnomAD exomes 0.00458.
gnomAD v4.1: 7,027 of 1,613,782 alleles (0.44%); highest among the groups gnomAD compares: Non-Finnish European, 0.55%; 36 homozygotes.

Submissions (8):

CeGaT Center for Human Genetics Tuebingen
Classification: Likely benign. Last evaluated: 2024-04-01. Review status: criteria provided, single submitter. Criteria: CeGaT Center For Human Genetics Tuebingen Variant Classification Criteria Version 2. Collection method: clinical testing. Allele origin: germline. Affected: yes. Observed: 1 variant allele.
Comment: SLC24A3: BP4, BS2

Dr. Peter K. Rogan Lab, Western University
No classification provided (evidence only). Condition: Lung cancer. Review status: no classification provided. Collection method: in vitro. Allele origin: not applicable. Functional consequence: retained intron. Not counted in ClinVar's aggregate classification.

Dr. Peter K. Rogan Lab, Western University
No classification provided (evidence only). Condition: Familial cancer of breast. Review status: no classification provided. Collection method: in vitro. Allele origin: not applicable. Functional consequence: retained intron. Not counted in ClinVar's aggregate classification.

Dr. Peter K. Rogan Lab, Western University
No classification provided (evidence only). Condition: Acute myeloid leukemia. Review status: no classification provided. Collection method: in vitro. Allele origin: not applicable. Functional consequence: retained intron. Not counted in ClinVar's aggregate classification.

Dr. Peter K. Rogan Lab, Western University
No classification provided (evidence only). Condition: Acute myeloid leukemia. Review status: no classification provided. Collection method: in vitro. Allele origin: not applicable. Functional consequence: retained intron. Not counted in ClinVar's aggregate classification.

Dr. Peter K. Rogan Lab, Western University
No classification provided (evidence only). Condition: Uterine corpus endometrial carcinoma. Review status: no classification provided. Collection method: in vitro. Allele origin: not applicable. Functional consequence: retained intron. Not counted in ClinVar's aggregate classification.

Dr. Peter K. Rogan Lab, Western University
No classification provided (evidence only). Condition: Uterine corpus endometrial carcinoma. Review status: no classification provided. Collection method: in vitro. Allele origin: not applicable. Functional consequence: retained intron. Not counted in ClinVar's aggregate classification.

Dr. Peter K. Rogan Lab, Western University
No classification provided (evidence only). Condition: Cervical cancer. Review status: no classification provided. Collection method: in vitro. Allele origin: not applicable. Functional consequence: retained intron. Not counted in ClinVar's aggregate classification.

NM_020689.4(SLC24A3):c.745C>G (p.Leu249Val)

Gene: SLC24A3 (solute carrier family 24 member 3; plus strand). Cytogenetic location: 20p11.23.
Variant type: single nucleotide variant.
Coding change: c.745C>G on transcript NM_020689.4 (MANE Select); coding-DNA position 745, C replaced by G.
Protein change: p.Leu249Val; replaces leucine 249 with valine.
Molecular consequence: missense variant.
Genome position (GRCh38, 1-based): chr20:19,673,632, C>G. VCF-style: chr20-19673632-C-G. GRCh37 (hg19) VCF-style: chr20-19654276-C-G.
Other names: NC_000020.10:g.19654276C>G; short protein forms L249V.
Identifiers: ClinVar variation 3234185 (VCV003234185.21), dbSNP rs148897045, ClinGen allele CA9779282.